The following is an entry in ClinVar:

NM_053025.4(MYLK):c.4027A>G (p.Ile1343Val)

Gene: MYLK (myosin light chain kinase; minus strand). Cytogenetic location: 3q21.1.
Variant type: single nucleotide variant.
Coding change: c.4027A>G on transcript NM_053025.4 (MANE Select); coding-DNA position 4027, A replaced by G.
Protein change: p.Ile1343Val; replaces isoleucine 1343 with valine.
Molecular consequence: missense variant.
Genome position (GRCh38, 1-based): chr3:123,657,387, T>C on the plus strand (A>G on the coding strand, the complement: MYLK is on the minus strand). VCF-style: chr3-123657387-T-C. GRCh37 (hg19) VCF-style: chr3-123376234-T-C.
Other names: c.3499A>G, p.Ile1167Val (NM_001321309.2); c.3820A>G, p.Ile1274Val (NM_053026.4, NM_053028.4); c.4027A>G, p.Ile1343Val (NM_053027.4); short protein forms I1274V, I1343V, I1167V.
Identifiers: ClinVar variation 1518325 (VCV001518325.6), dbSNP rs2059422087, ClinGen allele CA354228289.

ClinVar aggregate classification (germline): Uncertain significance (1 of 4 stars; one submission).

Conditions:
Aortic aneurysm, familial thoracic 7 (AAT7). Also called: AORTIC DISSECTION, FAMILIAL, WITH OR WITHOUT AORTIC ANEURYSM. Identifiers: MedGen C3151077, MONDO:0013418, OMIM 613780.

Allele frequency attached by ClinVar (database versions not stated): gnomAD 0.00001.
gnomAD v4.1: 1 of 1,613,856 alleles (0.000062%); highest among the groups gnomAD compares: African/African-American, 0.0013%; no homozygotes.

Submission:

Labcorp Genetics (formerly Invitae), Labcorp
Classification: Uncertain significance for Aortic aneurysm, familial thoracic 7. Last evaluated: 2022-09-01. Review status: criteria provided, single submitter. Criteria: Invitae Variant Classification Sherloc (09022015). Collection method: clinical testing. Allele origin: germline.
Comment: This sequence change replaces isoleucine, which is neutral and non-polar, with valine, which is neutral and non-polar, at codon 1343 of the MYLK protein (p.Ile1343Val). This variant is not present in population databases (gnomAD no frequency). This variant has not been reported in the literature in individuals affected with MYLK-related conditions. ClinVar contains an entry for this variant (Variation ID: 1518325). Advanced modeling of protein sequence and biophysical properties (such as structural, functional, and spatial information, amino acid conservation, physicochemical variation, residue mobility, and thermodynamic stability) performed at Invitae indicates that this missense variant is not expected to disrupt MYLK protein function. In summary, the available evidence is currently insufficient to determine the role of this variant in disease. Therefore, it has been classified as a Variant of Uncertain Significance.